The following is an entry in ClinVar:

NM_001038.6(SCNN1A):c.1144-9G>T

Gene: SCNN1A (sodium channel epithelial 1 subunit alpha; minus strand). Cytogenetic location: 12p13.31.
Variant type: single nucleotide variant.
Coding change: c.1144-9G>T on transcript NM_001038.6 (MANE Select); 9 bases into the intron before coding-DNA position 1144, G replaced by T.
Molecular consequence: intron variant.
Genome position (GRCh38, 1-based): chr12:6,354,857, C>A on the plus strand (G>T on the coding strand, the complement: SCNN1A is on the minus strand). VCF-style: chr12-6354857-C-A. GRCh37 (hg19) VCF-style: chr12-6464023-C-A.
Other names: c.1213-9G>T (NM_001159575.2); c.1321-9G>T (NM_001159576.2); c.1144-9G>T (NM_001038.5).
Identifiers: ClinVar variation 2897418 (VCV002897418.5), dbSNP rs748661953, ClinGen allele CA6405970.

ClinVar aggregate classification (germline): Likely benign. Review status: criteria provided, single submitter (1 of 4 stars). 2 submissions from 2 submitters: Likely benign (1). 1 of the submissions does not count toward it. Last evaluated 2024-10-17.

Conditions:
SCNN1A-related disorder. Also called: SCNN1A-related condition; SCNN1A-related disorders.

Allele frequency attached by ClinVar (database versions not stated): gnomAD 0.00001; gnomAD exomes 0.00002; TOPMed 0.00005; ExAC 0.00015.
gnomAD v4.1: 32 of 1,606,970 alleles (0.002%); highest among the groups gnomAD compares: Admixed American, 0.04%; no homozygotes.

Submissions (2):

Labcorp Genetics (formerly Invitae), Labcorp
Classification: Likely benign. Last evaluated: 2024-10-17. Review status: criteria provided, single submitter. Criteria: Invitae Variant Classification Sherloc (09022015). Collection method: clinical testing. Allele origin: germline.

PreventionGenetics, part of Exact Sciences
Classification: Likely benign for SCNN1A-related condition. Last evaluated: 2021-08-03. Review status: no assertion criteria provided. Collection method: clinical testing. Allele origin: germline. Not counted in ClinVar's aggregate classification.
Comment: This variant is classified as likely benign based on ACMG/AMP sequence variant interpretation guidelines (Richards et al. 2015 PMID: 25741868, with internal and published modifications).